The following is an entry in ClinVar:

ClinVar aggregate classification (germline): Conflicting classifications of pathogenicity. Review status: criteria provided, conflicting classifications (1 of 4 stars). 2 submissions from 2 submitters: Uncertain significance (1); Likely benign (1). Last evaluated 2026-05-21.

Conditions:
Inborn genetic diseases. Identifiers: MedGen C0950123, MeSH D030342.

Allele frequency attached by ClinVar (database versions not stated): gnomAD exomes below 0.00001; TOPMed 0.00001.
gnomAD v4.1: 2 of 1,614,182 alleles (0.00012%); highest among the groups gnomAD compares: Non-Finnish European, 0.00017%; no homozygotes.

Submissions (2):

Ambry Genetics
Classification: Likely benign for Inborn genetic diseases. Last evaluated: 2026-05-21. Review status: criteria provided, single submitter. Criteria: Ambry Variant Classification Scheme 2023. Collection method: clinical testing. Allele origin: germline.

Women's Health and Genetics/Laboratory Corporation of America, LabCorp
Classification: Uncertain significance. Last evaluated: 2023-03-24. Review status: criteria provided, single submitter. Criteria: LabCorp Variant Classification Summary - May 2015. Collection method: clinical testing. Allele origin: germline.
Comment: Variant summary: PPM1D c.1379A>C (p.Asn460Thr) results in a non-conservative amino acid change in the encoded protein sequence. Four of five in-silico tools predict a benign effect of the variant on protein function. The variant was absent in 251364 control chromosomes (gnomAD). The available data on variant occurrences in the general population are insufficient to allow any conclusion about variant significance. To our knowledge, no occurrence of c.1379A>C in individuals affected with Intellectual Developmental Disorder With Gastrointestinal Difficulties And High Pain Threshold (Jansen De Vries Syndrome) and no experimental evidence demonstrating its impact on protein function have been reported. No clinical diagnostic laboratories have submitted clinical-significance assessments for this variant to ClinVar after 2014. Based on the evidence outlined above, the variant was classified as uncertain significance.

NM_003620.4(PPM1D):c.1379A>C (p.Asn460Thr)

Gene: PPM1D (protein phosphatase, Mg2+/Mn2+ dependent 1D; plus strand). Cytogenetic location: 17q23.2.
Variant type: single nucleotide variant.
Coding change: c.1379A>C on transcript NM_003620.4 (MANE Select); coding-DNA position 1379, A replaced by C.
Protein change: p.Asn460Thr; replaces asparagine 460 with threonine.
Molecular consequence: missense variant.
Genome position (GRCh38, 1-based): chr17:60,663,113, A>C. VCF-style: chr17-60663113-A-C. GRCh37 (hg19) VCF-style: chr17-58740474-A-C.
Other names: short protein forms N460T.
Identifiers: ClinVar variation 2501146 (VCV002501146.2), dbSNP rs1567979467, ClinGen allele CA400456856.